The following is an entry in ClinVar:

NC_000012.12:g.(?_32802383)_(32802576_?)del

Gene: PKP2 (plakophilin 2; minus strand). Cytogenetic location: 12p11.21.
Variant type: Deletion.
Identifiers: ClinVar variation 584148 (VCV000584148.8).

ClinVar aggregate classification (germline): Pathogenic (1 of 4 stars; one submission).

Conditions:
Arrhythmogenic right ventricular dysplasia 9 (ARVD9). Also called: Arrhythmogenic Right Ventricular Dysplasia/Cardiomyopathy 9; ARRHYTHMOGENIC RIGHT VENTRICULAR DYSPLASIA, FAMILIAL, 9. Identifiers: MedGen C1836906, MONDO:0012180, OMIM 609040.

Submission:

Labcorp Genetics (formerly Invitae), Labcorp
Classification: Pathogenic for Arrhythmogenic right ventricular dysplasia 9. Last evaluated: 2022-05-18. Review status: criteria provided, single submitter. Criteria: Invitae Variant Classification Sherloc (09022015). Collection method: clinical testing. Allele origin: germline.
Comment: For these reasons, this variant has been classified as Pathogenic. A similar copy number variant has been observed in individual(s) with arrhythmogenic right ventricular cardiomyopathy (Invitae). This variant is a gross deletion of the genomic region encompassing exon(s) 11 of the PKP2 gene. This deletion is out-of-frame, and is expected to create a premature termination codon and result in an absent or disrupted protein product. Loss-of-function variants in PKP2 are known to be pathogenic (PMID: 15489853, 23911551).

Literature cited by the submitters: PubMed 15489853; PubMed 23911551.